The following is an entry in ClinVar:

NM_001365951.3(KIF1B):c.713C>G (p.Thr238Ser)

Gene: KIF1B (kinesin family member 1B; plus strand). Cytogenetic location: 1p36.22.
Variant type: single nucleotide variant.
Coding change: c.713C>G on transcript NM_001365951.3 (MANE Select); coding-DNA position 713, C replaced by G.
Protein change: p.Thr238Ser; replaces threonine 238 with serine.
Molecular consequence: missense variant.
Genome position (GRCh38, 1-based): chr1:10,268,256, C>G. VCF-style: chr1-10268256-C-G. GRCh37 (hg19) VCF-style: chr1-10328314-C-G.
Other names: c.713C>G, p.Thr238Ser (NM_001365952.1, NM_001365953.1, NM_015074.3 and 1 more transcripts); short protein forms T238S.
Identifiers: ClinVar variation 1757342 (VCV001757342.3), dbSNP rs2521053925, ClinGen allele CA338330678.
Genomic context (GRCh38, chr1:10,268,256, plus strand): 5'-ACGCTGTGTTTACGATTGTTTTCACCCAGAAGAAACACGATAATGAGACCAACCTTTCCA[C>G]TGAGAAGGTAGGAGAGTTTCAGTCTCTAGGCTTGAGTTGTGAAGGATGGAGATTTTGAGA-3'
Protein context (NP_001352880.1, residues 228-248): KKHDNETNLS[Thr238Ser]EKVSKISLVD

ClinVar aggregate classification (germline): Uncertain significance (1 of 4 stars; one submission).

Submission:

Ambry Genetics
Classification: Uncertain significance. Last evaluated: 2023-04-28. Review status: criteria provided, single submitter. Criteria: Ambry Variant Classification Scheme 2023. Collection method: clinical testing. Allele origin: germline.
Comment: The p.T238S variant (also known as c.713C>G), located in coding exon 6 of the KIF1B gene, results from a C to G substitution at nucleotide position 713. The threonine at codon 238 is replaced by serine, an amino acid with similar properties. This amino acid position is well conserved in available vertebrate species. In addition, this alteration is predicted to be tolerated by in silico analysis. Since supporting evidence is limited at this time, the clinical significance of this alteration remains unclear.